The following is an entry in ClinVar:

ClinVar aggregate classification (germline): Conflicting classifications of pathogenicity. Review status: criteria provided, conflicting classifications (1 of 4 stars). 2 submissions from 2 submitters: Uncertain significance (1); Likely benign (1). Last evaluated 2025-10-31.

Conditions:
Hereditary cancer-predisposing syndrome. Also called: Neoplastic Syndromes, Hereditary; Tumor predisposition; Hereditary Cancer Syndrome; Hereditary neoplastic syndrome. Identifiers: Orphanet 140162, MedGen C0027672, MeSH D009386, MONDO:0015356.
Hereditary breast ovarian cancer syndrome. Also called: BRCA1- and BRCA2-Associated Hereditary Breast and Ovarian Cancer; Hereditary breast and ovarian cancer syndrome; Hereditary breast and ovarian cancer; Breast and ovarian cancer; Hereditary breast and/or ovarian cancer syndrome; Hereditary breast and ovarian cancer syndrome (HBOC). Identifiers: Orphanet 145, MedGen C0677776, MeSH D061325, MONDO:0003582. Disease mechanism: loss of function.

Submissions (2):

Ambry Genetics
Classification: Likely benign for Hereditary cancer-predisposing syndrome. Last evaluated: 2025-10-31. Review status: criteria provided, single submitter. Criteria: Ambry Variant Classification Scheme 2023. Collection method: clinical testing. Allele origin: germline.

Labcorp Genetics (formerly Invitae), Labcorp
Classification: Uncertain significance for Hereditary breast ovarian cancer syndrome. Last evaluated: 2025-07-22. Review status: criteria provided, single submitter. Criteria: Invitae Variant Classification Sherloc (09022015). Collection method: clinical testing. Allele origin: germline.
Comment: This sequence change replaces threonine, which is neutral and polar, with alanine, which is neutral and non-polar, at codon 2125 of the BRCA2 protein (p.Thr2125Ala). This variant is not present in population databases (gnomAD no frequency). This variant has not been reported in the literature in individuals affected with BRCA2-related conditions. Invitae Evidence Modeling of protein sequence and biophysical properties (such as structural, functional, and spatial information, amino acid conservation, physicochemical variation, residue mobility, and thermodynamic stability) indicates that this missense variant is not expected to disrupt BRCA2 protein function with a negative predictive value of 95%. In summary, the available evidence is currently insufficient to determine the role of this variant in disease. Therefore, it has been classified as a Variant of Uncertain Significance.

NM_000059.4(BRCA2):c.6373A>G (p.Thr2125Ala)

Gene: BRCA2 (BRCA2 DNA repair associated; plus strand). Cytogenetic location: 13q13.1.
Variant type: single nucleotide variant.
Coding change: c.6373A>G on transcript NM_000059.4 (MANE Select); coding-DNA position 6373, A replaced by G.
Protein change: p.Thr2125Ala; replaces threonine 2125 with alanine.
Molecular consequence: missense variant.
Genome position (GRCh38, 1-based): chr13:32,340,728, A>G. VCF-style: chr13-32340728-A-G. GRCh37 (hg19) VCF-style: chr13-32914865-A-G.
Other names: short protein forms T2125A.
Identifiers: ClinVar variation 4628944 (VCV004628944.2).